The following is an entry in ClinVar:

NM_001136157.2(OTUD5):c.356C>T (p.Ala119Val)

Gene: OTUD5 (OTU deubiquitinase 5; minus strand). Cytogenetic location: Xp11.23.
Variant type: single nucleotide variant.
Coding change: c.356C>T on transcript NM_001136157.2 (MANE Select); coding-DNA position 356, C replaced by T.
Protein change: p.Ala119Val; replaces alanine 119 with valine.
Molecular consequence: missense variant. On other transcripts: intron variant (1).
Genome position (GRCh38, 1-based): chrX:48,957,215, G>A on the plus strand (C>T on the coding strand, the complement: OTUD5 is on the minus strand). VCF-style: chrX-48957215-G-A. GRCh37 (hg19) VCF-style: chrX-48814477-G-A.
Other names: c.356C>T, p.Ala119Val (NM_001136158.2, NM_017602.4); c.-58+1017C>T (NM_001136159.2); short protein forms A119V.
Identifiers: ClinVar variation 4982678 (VCV004982678.1).
Genomic context (GRCh38, chrX:48,957,215, plus strand): 5'-ACGCCTACGGCACCACCCACACCCACCACCACGCCCGCGGCACCCACACCCGCCGCCGCT[G>A]CGCCCAGCGCGTCGCCGGGACCGCCGCCGGGACCACCTGGGCCCCCGCAAGGAGGTGGAG-3'
Protein context (NP_001129629.1, residues 109-129): PGGGPGDALG[Ala119Val]AAAGVGAAGV

ClinVar aggregate classification (germline): Uncertain significance (1 of 4 stars; one submission).

Conditions:
OTUD5-related disorder. Also called: OTUD5-related condition.

Submission:

PreventionGenetics, part of Exact Sciences
Classification: Uncertain significance for OTUD5-related condition. Last evaluated: 2025-02-13. Review status: criteria provided, single submitter. Criteria: ACMG Guidelines, 2015. Collection method: clinical testing. Allele origin: germline.
Comment: The OTUD5 c.356C>T variant is predicted to result in the amino acid substitution p.Ala119Val. To our knowledge, this variant has not been reported in the literature or in a large population database (gnomAD), indicating this variant is rare. At this time, the clinical significance of this variant is uncertain due to the absence of conclusive functional and genetic evidence.